The following is an entry in ClinVar:

NM_001384474.1(LOXHD1):c.884-1G>C

Gene: LOXHD1 (lipoxygenase homology PLAT domains 1; minus strand). Cytogenetic location: 18q21.1.
Variant type: single nucleotide variant.
Coding change: c.884-1G>C on transcript NM_001384474.1 (MANE Select); the canonical splice acceptor site of the intron before coding-DNA position 884, G replaced by C.
Molecular consequence: splice acceptor variant.
Genome position (GRCh38, 1-based): chr18:46,601,468, C>G on the plus strand (G>C on the coding strand, the complement: LOXHD1 is on the minus strand). VCF-style: chr18-46601468-C-G. GRCh37 (hg19) VCF-style: chr18-44181431-C-G.
Other names: c.884-1G>C (NM_144612.7).
Identifiers: ClinVar variation 4887405 (VCV004887405.1).

ClinVar aggregate classification (germline): Likely pathogenic (1 of 4 stars; one submission).

Conditions:
Nonsyndromic genetic hearing loss. Also called: Nonsyndromic hearing loss and deafness; Non-syndromic genetic deafness; Nonsyndromic genetic deafness. Identifiers: Orphanet 87884, MedGen C5680182, MONDO:0019497.

Submission:

Women's Health and Genetics/Laboratory Corporation of America, LabCorp
Classification: Likely pathogenic for Nonsyndromic genetic hearing loss. Last evaluated: 2026-06-09. Review status: criteria provided, single submitter. Criteria: LabCorp Variant Classification Summary - May 2015. Collection method: clinical testing. Allele origin: germline.
Comment: Variant summary: LOXHD1 c.884-1G>C is located in a canonical splice-site and is predicted to affect mRNA splicing resulting in a significantly altered protein due to either exon skipping, shortening, or inclusion of intronic material. Variants that disrupt the consensus splice site are a relatively common cause of aberrant splicing and loss of LOXHD1 function. Several computational tools predict a significant impact on normal splicing: Three predict the variant abolishes a 3' acceptor site. However, these predictions have yet to be confirmed by functional studies. The variant was absent in 158970 control chromosomes. To our knowledge, no occurrence of c.884-1G>C in individuals affected with LOXHD1-related conditions and no experimental evidence demonstrating its impact on protein function have been reported. No submitters have cited clinical-significance assessments for this variant to ClinVar. Based on the evidence outlined above, the variant was classified as likely pathogenic.